The following is an entry in ClinVar:

NM_001009944.3(PKD1):c.4500G>C (p.Trp1500Cys)

Gene: PKD1 (polycystin 1, transient receptor potential channel interacting; minus strand). Cytogenetic location: 16p13.3.
Variant type: single nucleotide variant.
Coding change: c.4500G>C on transcript NM_001009944.3 (MANE Select); coding-DNA position 4500, G replaced by C.
Protein change: p.Trp1500Cys; replaces tryptophan 1500 with cysteine.
Molecular consequence: missense variant.
Genome position (GRCh38, 1-based): chr16:2,110,667, C>G on the plus strand (G>C on the coding strand, the complement: PKD1 is on the minus strand). VCF-style: chr16-2110667-C-G. GRCh37 (hg19) VCF-style: chr16-2160668-C-G.
Other names: c.4500G>C, p.Trp1500Cys (NM_000296.4); short protein forms W1500C.
Identifiers: ClinVar variation 1806059 (VCV001806059.1), dbSNP rs773515214, ClinGen allele CA394379835.

ClinVar aggregate classification (germline): Uncertain significance (1 of 4 stars; one submission).

Conditions:
Polycystic kidney disease, adult type (PKD1). Also called: Polycystic Kidney Disease 1, Autosomal Dominant; Polycystic kidney disease 1; Polycystic kidney disease 1, severe; Polycystic Kidney, Autosomal Dominant; POLYCYSTIC KIDNEY DISEASE 1 WITH OR WITHOUT POLYCYSTIC LIVER DISEASE; POLYCYSTIC KIDNEY DISEASE, ADULT, TYPE I. Identifiers: MedGen C3149841, MONDO:0008263, OMIM 173900.

Submission:

Victorian Clinical Genetics Services, Murdoch Childrens Research Institute
Classification: Uncertain significance for Polycystic kidney disease, adult type. Last evaluated: 2020-05-26. Review status: criteria provided, single submitter. Criteria: ACMG Guidelines, 2015. Collection method: clinical testing. Allele origin: germline. Inheritance: Autosomal dominant inheritance. Affected: yes.
Comment: Based on the classification scheme VCGS_Germline_v1.1.1, this variant is classified as 3A-VUS. Following criteria are met: 0102 - Loss-of-function is a known mechanism of disease for this gene (PMID: 29038287). (N) 0107 - This gene is known to be associated with autosomal dominant polycystic kidney disease, predominantly caused by monoallelic variants, with rare reports of bi-allelic variants causing disease. (N) 0112 - Variants in this gene are known to have reduced penetrance (PMID: 26200945; 22034641; 20558538). (N) 0200 - Variant is predicted to result in a missense amino acid change from a tryptophan to a cysteine (exon 15). (N) 0251 - Variant is heterozygous. (N) 0301 - Variant is absent from gnomAD. (P) 0501 - Missense variant consistently predicted to be damaging by multiple in silico tools and highly conserved with a major amino acid change. (P) 0600 - Variant is located in the polycystic kidney disease (PKD) domain (UniProt). (N) 0705 - No comparable variants at the same amino acid position have previous evidence for pathogenicity. (N) 0807 - Variant has not previously been reported in ClinVar or the PKD mutation database. (N) 0905 - No segregation evidence has been identified for this variant. (N) 1007 - No published functional evidence has been identified for this variant. (N) 1208 - Inheritance information for this variant is not currently available. (N) Legend: (P) - Pathogenic, (N) - Neutral, (B) - Benign

Literature cited by the submitters: PubMed 20558538; PubMed 22034641; PubMed 26200945; PubMed 29038287.